The following is an entry in ClinVar:

NM_022132.5(MCCC2):c.1018del (p.Asp340fs)

Gene: MCCC2 (methylcrotonyl-CoA carboxylase subunit 2; plus strand). Cytogenetic location: 5q13.2.
Variant type: Deletion.
Coding change: c.1018del on transcript NM_022132.5 (MANE Select); coding-DNA position 1018, one base deleted (G; older notation c.1018delG).
Protein change: p.Asp340fs; shifts the reading frame from aspartic acid 340.
Molecular consequence: frameshift variant.
Genome position (GRCh38, 1-based): chr5:71,641,021, G deleted; the last of 2 consecutive G bases (chr5:71,641,020-71,641,021); deleting either gives the same sequence. VCF-style (leftmost placement, unchanged base first): chr5-71641019-TG-T. GRCh37 (hg19) VCF-style: chr5-70936846-TG-T.
Other names: c.904del, p.Asp302fs (NM_001363147.1); short protein forms D302fs, D340fs.
Identifiers: ClinVar variation 4782075 (VCV004782075.1).
Genomic context (GRCh38, chr5:71,641,019, plus strand): 5'-TTTGCAATATAATTTCTCAAGGCCATTGTTGTTTTTCCTCTTAGGTCATTGCTAGAATCG[TG>T]GATGGAAGCAGATTCACTGAGTTCAAAGCCTTTTATGGAGACACATTAGTTACAGGTATA-3'

ClinVar aggregate classification (germline): Pathogenic (1 of 4 stars; one submission).

Conditions:
3-methylcrotonyl-CoA carboxylase 2 deficiency. Also called: METHYLCROTONYLGLYCINURIA, TYPE II; 3 alpha methylcrotonyl-CoA carboxylase 2 deficiency; 3 alpha methylcrotonylglycinuria 2; MCC 2 deficiency; Methylcrotonylglycinuria type 2. Identifiers: Orphanet 6, MedGen C1859499, MONDO:0008862, OMIM 210210.

Submission:

Labcorp Genetics (formerly Invitae), Labcorp
Classification: Pathogenic for 3-methylcrotonyl-CoA carboxylase 2 deficiency. Last evaluated: 2025-12-29. Review status: criteria provided, single submitter. Criteria: Invitae Variant Classification Sherloc (09022015). Collection method: clinical testing. Allele origin: germline.
Comment: This sequence change creates a premature translational stop signal (p.Asp340Metfs*16) in the MCCC2 gene. It is expected to result in an absent or disrupted protein product. Loss-of-function variants in MCCC2 are known to be pathogenic (PMID: 11181649, 22642865). This variant is not present in population databases (gnomAD no frequency). This variant has not been reported in the literature in individuals affected with MCCC2-related conditions. For these reasons, this variant has been classified as Pathogenic.

Literature cited by the submitters: PubMed 11181649; PubMed 22642865.